The following is an entry in ClinVar:

ClinVar aggregate classification (germline): Uncertain significance (1 of 4 stars; one submission).

Conditions:
Cardiovascular phenotype. Identifiers: MedGen CN230736.

Submission:

Ambry Genetics
Classification: Uncertain significance for Cardiovascular phenotype. Last evaluated: 2024-03-28. Review status: criteria provided, single submitter. Criteria: Ambry Variant Classification Scheme 2023. Collection method: clinical testing. Allele origin: germline.
Comment: The p.T127A variant (also known as c.379A>G), located in coding exon 4 of the AKAP9 gene, results from an A to G substitution at nucleotide position 379. The threonine at codon 127 is replaced by alanine, an amino acid with similar properties. This amino acid position is conserved. In addition, this alteration is predicted to be tolerated by in silico analysis. Based on the available evidence, the clinical significance of this alteration remains unclear.

NM_005751.5(AKAP9):c.379A>G (p.Thr127Ala)

Gene: AKAP9 (A-kinase anchoring protein 9; plus strand). Cytogenetic location: 7q21.2.
Variant type: single nucleotide variant.
Coding change: c.379A>G on transcript NM_005751.5 (MANE Select); coding-DNA position 379, A replaced by G.
Protein change: p.Thr127Ala; replaces threonine 127 with alanine.
Molecular consequence: missense variant.
Genome position (GRCh38, 1-based): chr7:91,992,185, A>G. VCF-style: chr7-91992185-A-G. GRCh37 (hg19) VCF-style: chr7-91621499-A-G.
Other names: c.379A>G, p.Thr127Ala (NM_147185.3); short protein forms T127A.
Identifiers: ClinVar variation 3281722 (VCV003281722.1).